The following is an entry in ClinVar:

NM_014956.5(CEP164):c.1083_1084delinsAA (p.Glu362Lys)

Gene: CEP164 (centrosomal protein 164; plus strand). Cytogenetic location: 11q23.3.
Variant type: Indel.
Coding change: c.1083_1084delinsAA on transcript NM_014956.5 (MANE Select); coding-DNA positions 1083 to 1084, GG replaced by AA.
Protein change: p.Glu362Lys; replaces glutamic acid 362 with lysine.
Molecular consequence: missense variant.
Genome position (GRCh38, 1-based): chr11:117,371,397-117,371,398, GG replaced by AA. VCF-style: chr11-117371397-GG-AA. GRCh37 (hg19) VCF-style: chr11-117242113-GG-AA.
Other names: c.1083_1084delinsAA, p.Glu362Lys (NM_001271933.2); short protein forms E362K.
Identifiers: ClinVar variation 1377589 (VCV001377589.3), dbSNP rs2135917914, ClinGen allele CA2573146881.

ClinVar aggregate classification (germline): Uncertain significance (1 of 4 stars; one submission).

Conditions:
Nephronophthisis 15 (NPHP15). Identifiers: Orphanet 3156, MedGen C3541853, MONDO:0013917, OMIM 614845.

Submission:

Labcorp Genetics (formerly Invitae), Labcorp
Classification: Uncertain significance for Nephronophthisis 15. Last evaluated: 2021-08-26. Review status: criteria provided, single submitter. Criteria: Invitae Variant Classification Sherloc (09022015). Collection method: clinical testing. Allele origin: germline.
Comment: This sequence change replaces glutamic acid with lysine at codon 362 of the CEP164 protein (p.Glu362Lys). The glutamic acid residue is moderately conserved and there is a small physicochemical difference between glutamic acid and lysine. The frequency data for this variant in the population databases is not available, as this variant may be reported as separate entries in the ExAC database. This variant has not been reported in the literature in individuals affected with CEP164-related conditions. Experimental studies and prediction algorithms are not available or were not evaluated, and the functional significance of this variant is currently unknown. In summary, the available evidence is currently insufficient to determine the role of this variant in disease. Therefore, it has been classified as a Variant of Uncertain Significance.